The following is an entry in ClinVar:

ClinVar aggregate classification (germline): Pathogenic (1 of 4 stars; one submission).

Conditions:
Thrombophilia due to protein S deficiency, autosomal recessive (THPH6). Identifiers: Orphanet 743, MedGen C3281092, MONDO:0013791, OMIM 614514. Disease mechanism: loss of function.

Submission:

Labcorp Genetics (formerly Invitae), Labcorp
Classification: Pathogenic for Thrombophilia due to protein S deficiency, autosomal recessive. Last evaluated: 2023-08-28. Review status: criteria provided, single submitter. Criteria: Invitae Variant Classification Sherloc (09022015). Collection method: clinical testing. Allele origin: germline.
Comment: This variant has not been reported in the literature in individuals affected with PROS1-related conditions. ClinVar contains an entry for this variant (Variation ID: 1069702). For these reasons, this variant has been classified as Pathogenic. This sequence change creates a premature translational stop signal (p.Glu61*) in the PROS1 gene. It is expected to result in an absent or disrupted protein product. Loss-of-function variants in PROS1 are known to be pathogenic (PMID: 9241758). This variant is not present in population databases (gnomAD no frequency).

Literature cited by the submitters: PubMed 9241758.

NM_000313.4(PROS1):c.181G>T (p.Glu61Ter)

Gene: PROS1 (protein S; minus strand). Cytogenetic location: 3q11.1.
Variant type: single nucleotide variant.
Coding change: c.181G>T on transcript NM_000313.4 (MANE Select); coding-DNA position 181, G replaced by T.
Protein change: p.Glu61Ter; replaces glutamic acid 61 with a stop codon.
Molecular consequence: nonsense.
Genome position (GRCh38, 1-based): chr3:93,927,303, C>A on the plus strand (G>T on the coding strand, the complement: PROS1 is on the minus strand). VCF-style: chr3-93927303-C-A. GRCh37 (hg19) VCF-style: chr3-93646147-C-A.
Other names: c.277G>T, p.Glu93Ter (NM_001314077.2); short protein forms E61*, E93*.
Identifiers: ClinVar variation 1069702 (VCV001069702.5), dbSNP rs2107202868, ClinGen allele CA353674524.
Genomic context (GRCh38, chr3:93,927,303, plus strand): 5'-TGCTTACCGTTTCCGGGTCATTTTCAAAGACCTCCCTGGCTTCTTCTTTATTGCACAGTT[C>A]TTCGATGCATTCTCTTTCAAGATTACCCTGTTTGGTTTCTTCAAGTAAAGAATTTGCACG-3'